The following is an entry in ClinVar:

NM_000287.4(PEX6):c.1216dup (p.His406fs)

Gene: PEX6 (peroxisomal biogenesis factor 6; minus strand). Cytogenetic location: 6p21.1.
Variant type: Duplication.
Coding change: c.1216dup on transcript NM_000287.4 (MANE Select); coding-DNA position 1216, one base duplicated (C; older notation c.1216dupC).
Protein change: p.His406fs; shifts the reading frame from histidine 406.
Molecular consequence: frameshift variant. On other transcripts: non-coding transcript variant (1).
Genome position (GRCh38, 1-based): chr6:42,969,902, G duplicated on the plus strand (C on the coding strand, the reverse complement: PEX6 is on the minus strand); the first of 3 consecutive G bases (chr6:42,969,902-42,969,904); duplicating any one gives the same sequence. VCF-style (leftmost placement, unchanged base first): chr6-42969901-T-TG. GRCh37 (hg19) VCF-style: chr6-42937639-T-TG.
Other names: c.952dup, p.His318fs (NM_001316313.2); short protein forms H318fs, H406fs.
Identifiers: ClinVar variation 1071131 (VCV001071131.7), dbSNP rs2114248084, ClinGen allele CA2499218301.

ClinVar aggregate classification (germline): Pathogenic (1 of 4 stars; one submission).

Conditions:
Peroxisome biogenesis disorder. Identifiers: Orphanet 79189, MedGen C1832200, MONDO:0019234. Disease mechanism: loss of function.

Submission:

Labcorp Genetics (formerly Invitae), Labcorp
Classification: Pathogenic for Peroxisome biogenesis disorder. Last evaluated: 2022-05-27. Review status: criteria provided, single submitter. Criteria: Invitae Variant Classification Sherloc (09022015). Collection method: clinical testing. Allele origin: germline.
Comment: This sequence change creates a premature translational stop signal (p.His406Profs*39) in the PEX6 gene. It is expected to result in an absent or disrupted protein product. Loss-of-function variants in PEX6 are known to be pathogenic (PMID: 8670792, 19877282, 21031596). This variant is not present in population databases (gnomAD no frequency). This variant has not been reported in the literature in individuals affected with PEX6-related conditions. ClinVar contains an entry for this variant (Variation ID: 1071131). For these reasons, this variant has been classified as Pathogenic.

Literature cited by the submitters: PubMed 8670792; PubMed 19877282; PubMed 21031596.